The following is an entry in ClinVar:

NM_145331.3(MAP3K7):c.90G>C (p.Glu30Asp)

Gene: MAP3K7 (mitogen-activated protein kinase kinase kinase 7; minus strand). Cytogenetic location: 6q15.
Variant type: single nucleotide variant.
Coding change: c.90G>C on transcript NM_145331.3 (MANE Select); coding-DNA position 90, G replaced by C.
Protein change: p.Glu30Asp; replaces glutamic acid 30 with aspartic acid.
Molecular consequence: missense variant.
Genome position (GRCh38, 1-based): chr6:90,586,794, C>G on the plus strand (G>C on the coding strand, the complement: MAP3K7 is on the minus strand). VCF-style: chr6-90586794-C-G. GRCh37 (hg19) VCF-style: chr6-91296513-C-G.
Other names: c.90G>C, p.Glu30Asp (NM_003188.4, NM_145332.3, NM_145333.3); short protein forms E30D.
Identifiers: ClinVar variation 3774242 (VCV003774242.2).

ClinVar aggregate classification (germline): Uncertain significance (1 of 4 stars; one submission).

Submission:

GeneDx
Classification: Uncertain significance. Last evaluated: 2026-10-14. Review status: criteria provided, single submitter. Criteria: GeneDx Variant Classification Process June 2021. Collection method: clinical testing. Allele origin: germline.
Comment: Not observed at significant frequency in large population cohorts (gnomAD); In silico analysis suggests that this missense variant does not alter protein structure/function; Has not been previously published as pathogenic or benign to our knowledge